The following is an entry in ClinVar:

NM_182914.3(SYNE2):c.20619C>G (p.Cys6873Trp)

Gene: SYNE2 (spectrin repeat containing nuclear envelope protein 2; plus strand). Cytogenetic location: 14q23.2.
Variant type: single nucleotide variant.
Coding change: c.20619C>G on transcript NM_182914.3 (MANE Select); coding-DNA position 20619, C replaced by G.
Protein change: p.Cys6873Trp; replaces cysteine 6873 with tryptophan.
Molecular consequence: missense variant.
Genome position (GRCh38, 1-based): chr14:64,225,421, C>G. VCF-style: chr14-64225421-C-G. GRCh37 (hg19) VCF-style: chr14-64692139-C-G.
Other names: c.20553C>G, p.Cys6851Trp (NM_015180.6); c.1185C>G, p.Cys395Trp (NM_182910.2); c.1566C>G, p.Cys522Trp (NM_182913.4); short protein forms C522W, C6873W, C395W, C6851W.
Identifiers: ClinVar variation 3722153 (VCV003722153.2).

ClinVar aggregate classification (germline): Uncertain significance (1 of 4 stars; one submission).

Conditions:
Emery-Dreifuss muscular dystrophy 5, autosomal dominant (EDMD5). Also called: EMERY-DREIFUSS MUSCULAR DYSTROPHY 5. Identifiers: Orphanet 261, MedGen C2751805, MONDO:0013072, OMIM 612999.

Submission:

Labcorp Genetics (formerly Invitae), Labcorp
Classification: Uncertain significance for Emery-Dreifuss muscular dystrophy 5, autosomal dominant. Last evaluated: 2025-01-25. Review status: criteria provided, single submitter. Criteria: Invitae Variant Classification Sherloc (09022015). Collection method: clinical testing. Allele origin: germline.
Comment: This sequence change replaces cysteine, which is neutral and slightly polar, with tryptophan, which is neutral and slightly polar, at codon 6873 of the SYNE2 protein (p.Cys6873Trp). This variant is not present in population databases (gnomAD no frequency). This variant has not been reported in the literature in individuals affected with SYNE2-related conditions. An algorithm developed to predict the effect of missense changes on protein structure and function (PolyPhen-2) suggests that this variant is likely to be disruptive. In summary, the available evidence is currently insufficient to determine the role of this variant in disease. Therefore, it has been classified as a Variant of Uncertain Significance.